The following is an entry in ClinVar:

NM_181808.4(POLN):c.943C>T (p.Pro315Ser)

Gene: POLN (DNA polymerase nu; minus strand). Cytogenetic location: 4p16.3.
Variant type: single nucleotide variant.
Coding change: c.943C>T on transcript NM_181808.4 (MANE Select); coding-DNA position 943, C replaced by T.
Protein change: p.Pro315Ser; replaces proline 315 with serine.
Molecular consequence: missense variant.
Genome position (GRCh38, 1-based): chr4:2,193,282, G>A on the plus strand (C>T on the coding strand, the complement: POLN is on the minus strand). VCF-style: chr4-2193282-G-A. GRCh37 (hg19) VCF-style: chr4-2195009-G-A.
Other names: short protein forms P315S.
Identifiers: ClinVar variation 713783 (VCV000713783.27), dbSNP rs11725880, ClinGen allele CA2814806.
Genomic context (GRCh38, chr4:2,193,282, plus strand): 5'-CATTGCCAAAAAACTGCAGCACTATTCTCACAAAATCCTTAGCATTAAAACAAATAACAG[G>A]ACATTTACATTTCATTGTTTGAAATAGCACGTTCCTAGAAGATGAAAAGAAATTCACTGA-3'
Protein context (NP_861524.2, residues 305-325): VLFQTMKCKC[Pro315Ser]VICFNAKDFV

ClinVar aggregate classification (germline): Benign. Review status: criteria provided, multiple submitters, no conflicts (2 of 4 stars). 3 submissions from 3 submitters: Benign (3). Last evaluated 2024-02-01.

Allele frequency attached by ClinVar (database versions not stated): 1000 Genomes Project 30x 0.00531; 1000 Genomes Project 0.00539; ExAC 0.00800; gnomAD exomes 0.00820 and 0.01439; TOPMed 0.00856; gnomAD 0.00904 and 0.00913; ESP Exome Variant Server 0.00938.

Submissions (3):

CeGaT Center for Human Genetics Tuebingen
Classification: Benign. Last evaluated: 2024-02-01. Review status: criteria provided, single submitter. Criteria: CeGaT Center For Human Genetics Tuebingen Variant Classification Criteria Version 2. Collection method: clinical testing. Allele origin: germline. Affected: yes. Observed: 1 variant allele.
Comment: POLN: BP4, BS1, BS2

Labcorp Genetics (formerly Invitae), Labcorp
Classification: Benign. Last evaluated: 2019-12-31. Review status: criteria provided, single submitter. Criteria: Invitae Variant Classification Sherloc (09022015). Collection method: clinical testing. Allele origin: germline.

Breakthrough Genomics
Classification: Benign. Review status: criteria provided, single submitter. Criteria: ACMG Guidelines, 2015. Collection method: not provided. Allele origin: germline. Inheritance: Unknown mechanism. Affected: yes.